The following is an entry in ClinVar:

NM_001270508.2(TNFAIP3):c.426G>T (p.Trp142Cys)

Gene: TNFAIP3 (TNF alpha induced protein 3; plus strand). Cytogenetic location: 6q23.3.
Variant type: single nucleotide variant.
Coding change: c.426G>T on transcript NM_001270508.2 (MANE Select); coding-DNA position 426, G replaced by T.
Protein change: p.Trp142Cys; replaces tryptophan 142 with cysteine.
Molecular consequence: missense variant.
Genome position (GRCh38, 1-based): chr6:137,874,975, G>T. VCF-style: chr6-137874975-G-T. GRCh37 (hg19) VCF-style: chr6-138196112-G-T.
Other names: c.426G>T, p.Trp142Cys (NM_001270507.2, NM_006290.4); short protein forms W142C.
Identifiers: ClinVar variation 4742731 (VCV004742731.1).

ClinVar aggregate classification (germline): Uncertain significance (1 of 4 stars; one submission).

gnomAD v4.1: 3 of 1,614,204 alleles (0.00019%); highest among the groups gnomAD compares: Non-Finnish European, 0.00025%; no homozygotes.

Submission:

Labcorp Genetics (formerly Invitae), Labcorp
Classification: Uncertain significance. Last evaluated: 2025-08-26. Review status: criteria provided, single submitter. Criteria: Invitae Variant Classification Sherloc (09022015). Collection method: clinical testing. Allele origin: germline.
Comment: This sequence change replaces tryptophan, which is neutral and slightly polar, with cysteine, which is neutral and slightly polar, at codon 142 of the TNFAIP3 protein (p.Trp142Cys). This variant is not present in population databases (gnomAD no frequency). This variant has not been reported in the literature in individuals affected with TNFAIP3-related conditions. Invitae Evidence Modeling of protein sequence and biophysical properties (such as structural, functional, and spatial information, amino acid conservation, physicochemical variation, residue mobility, and thermodynamic stability) has been performed for this missense variant. However, the output from this modeling did not meet the statistical confidence thresholds required to predict the impact of this variant on TNFAIP3 protein function. In summary, the available evidence is currently insufficient to determine the role of this variant in disease. Therefore, it has been classified as a Variant of Uncertain Significance.